The following is an entry in ClinVar:

ClinVar aggregate classification (germline): Uncertain significance (1 of 4 stars; one submission).

Conditions:
Progressive myoclonic epilepsy type 9. Identifiers: Orphanet 457265, MedGen C4225289, MONDO:0014685, OMIM 616540.
Lipodystrophy, partial, acquired, susceptibility to (APLD). Also called: APLD, SUSCEPTIBILITY TO. Identifiers: MedGen C3887501, MONDO:0100476, OMIM 608709.

gnomAD v4.1: 2 of 1,610,530 alleles (0.00012%); highest among the groups gnomAD compares: Admixed American, 0.0017%; no homozygotes.

Submission:

Labcorp Genetics (formerly Invitae), Labcorp
Classification: Uncertain significance for Progressive myoclonic epilepsy type 9; Lipodystrophy, partial, acquired, susceptibility to. Last evaluated: 2025-05-21. Review status: criteria provided, single submitter. Criteria: Invitae Variant Classification Sherloc (09022015). Collection method: clinical testing. Allele origin: germline.
Comment: This sequence change replaces alanine, which is neutral and non-polar, with valine, which is neutral and non-polar, at codon 257 of the LMNB2 protein (p.Ala257Val). The frequency data for this variant in the population databases is considered unreliable, as metrics indicate poor data quality at this position in the gnomAD database. This variant has not been reported in the literature in individuals affected with LMNB2-related conditions. Invitae Evidence Modeling of protein sequence and biophysical properties (such as structural, functional, and spatial information, amino acid conservation, physicochemical variation, residue mobility, and thermodynamic stability) indicates that this missense variant is expected to disrupt LMNB2 protein function with a positive predictive value of 80%. In summary, the available evidence is currently insufficient to determine the role of this variant in disease. Therefore, it has been classified as a Variant of Uncertain Significance.

NM_032737.4(LMNB2):c.770C>T (p.Ala257Val)

Gene: LMNB2 (lamin B2; minus strand). Cytogenetic location: 19p13.3.
Variant type: single nucleotide variant.
Coding change: c.770C>T on transcript NM_032737.4 (MANE Select); coding-DNA position 770, C replaced by T.
Protein change: p.Ala257Val; replaces alanine 257 with valine.
Molecular consequence: missense variant.
Genome position (GRCh38, 1-based): chr19:2,435,086, G>A on the plus strand (C>T on the coding strand, the complement: LMNB2 is on the minus strand). VCF-style: chr19-2435086-G-A. GRCh37 (hg19) VCF-style: chr19-2435084-G-A.
Other names: short protein forms A257V.
Identifiers: ClinVar variation 4795096 (VCV004795096.1).
Genomic context (GRCh38, chr19:2,435,086, plus strand): 5'-TCCAGCTTGTAGAGCCGCACTTGCTCGTCGTGCTGGCTCCGCAGCTCCTCCAGCGCCTGT[G>A]CCATCTTGAAGTCGTACTCCTGCTGCCGGCTGCTGTCCACCTCCACCAGGCGCCGCTCGT-3'
Protein context (NP_116126.3, residues 247-267): SRQQEYDFKM[Ala257Val]QALEELRSQH